The following is an entry in ClinVar:

NM_001038603.3(MARVELD2):c.1448T>C (p.Phe483Ser)

Gene: MARVELD2 (MARVEL domain containing 2; plus strand). Cytogenetic location: 5q13.2.
Variant type: single nucleotide variant.
Coding change: c.1448T>C on transcript NM_001038603.3 (MANE Select); coding-DNA position 1448, T replaced by C.
Protein change: p.Phe483Ser; replaces phenylalanine 483 with serine.
Molecular consequence: missense variant.
Genome position (GRCh38, 1-based): chr5:69,433,038, T>C. VCF-style: chr5-69433038-T-C. GRCh37 (hg19) VCF-style: chr5-68728865-T-C.
Other names: c.1412T>C, p.Phe471Ser (NM_001244734.2); short protein forms F471S, F483S.
Identifiers: ClinVar variation 1940571 (VCV001940571.6), dbSNP rs1243425194, ClinGen allele CA359927401.

ClinVar aggregate classification (germline): Uncertain significance. Review status: criteria provided, multiple submitters, no conflicts (2 of 4 stars). 2 submissions from 2 submitters: Uncertain significance (2). Last evaluated 2025-09-10.

Conditions:
Ehlers-Danlos syndrome, spondylodysplastic type, 2 (EDSSPD2). Also called: Ehlers-Danlos syndrome, progeroid type, 2. Identifiers: Orphanet 536467, Orphanet 75496, MedGen C3809210, MONDO:0014139, OMIM 615349.

Submissions (2):

Genomic Medicine Center of Excellence, King Faisal Specialist Hospital and Research Centre
Classification: Uncertain significance for Ehlers-Danlos syndrome, spondylodysplastic type, 2. Last evaluated: 2025-09-10. Review status: criteria provided, single submitter. Criteria: ACMG Guidelines, 2015. Collection method: clinical testing. Allele origin: germline.

Labcorp Genetics (formerly Invitae), Labcorp
Classification: Uncertain significance. Last evaluated: 2022-10-16. Review status: criteria provided, single submitter. Criteria: Invitae Variant Classification Sherloc (09022015). Collection method: clinical testing. Allele origin: germline.
Comment: In summary, the available evidence is currently insufficient to determine the role of this variant in disease. Therefore, it has been classified as a Variant of Uncertain Significance. Advanced modeling of protein sequence and biophysical properties (such as structural, functional, and spatial information, amino acid conservation, physicochemical variation, residue mobility, and thermodynamic stability) performed at Invitae indicates that this missense variant is expected to disrupt MARVELD2 protein function. This variant has not been reported in the literature in individuals affected with MARVELD2-related conditions. This variant is not present in population databases (gnomAD no frequency). This sequence change replaces phenylalanine, which is neutral and non-polar, with serine, which is neutral and polar, at codon 483 of the MARVELD2 protein (p.Phe483Ser).